The following is an entry in ClinVar:

NM_001009944.3(PKD1):c.10807T>A (p.Trp3603Arg)

Genes: PKD1 (polycystin 1, transient receptor potential channel interacting; minus strand), PKD1-AS1 (PKD1 antisense RNA 1; plus strand). Cytogenetic location: 16p13.3.
Variant type: single nucleotide variant.
Coding change: c.10807T>A on transcript NM_001009944.3 (MANE Select); coding-DNA position 10807, T replaced by A.
Protein change: p.Trp3603Arg; replaces tryptophan 3603 with arginine.
Molecular consequence: missense variant.
Genome position (GRCh38, 1-based): chr16:2,093,825, A>T on the plus strand (T>A on the coding strand, the complement: PKD1 is on the minus strand). VCF-style: chr16-2093825-A-T. GRCh37 (hg19) VCF-style: chr16-2143826-A-T.
Other names: c.10804T>A, p.Trp3602Arg (NM_000296.4); short protein forms W3602R, W3603R.
Identifiers: ClinVar variation 3382707 (VCV003382707.2).

ClinVar aggregate classification (germline): Uncertain significance (1 of 4 stars; one submission).

Conditions:
Polycystic kidney disease, adult type (PKD1). Also called: POLYCYSTIC KIDNEY DISEASE, ADULT, TYPE I; Polycystic Kidney Disease 1, Autosomal Dominant; Polycystic kidney disease 1; Polycystic kidney disease 1, severe; Polycystic Kidney, Autosomal Dominant; POLYCYSTIC KIDNEY DISEASE 1 WITH OR WITHOUT POLYCYSTIC LIVER DISEASE. Identifiers: MedGen C3149841, MONDO:0008263, OMIM 173900.

Submission:

Juno Genomics, Hangzhou Juno Genomics, Inc
Classification: Uncertain significance for Polycystic kidney disease, adult type. Review status: criteria provided, single submitter. Criteria: ACMG Guidelines, 2015. Collection method: clinical testing. Allele origin: germline. Affected: yes.
Comment: Absent from controls (or at extremely low frequency if recessive) in Genome Aggregation Database, Exome Sequencing Project, 1000 Genomes Project, or Exome Aggregation Consortium.